The following is an entry in ClinVar:

NM_212482.4(FN1):c.1261C>T (p.His421Tyr)

Genes: FN1 (fibronectin 1; minus strand), LOC126806498 (CDK7 strongly-dependent group 2 enhancer GRCh37_chr2:216288045-216289244; plus strand). Cytogenetic location: 2q35.
Variant type: single nucleotide variant.
Coding change: c.1261C>T on transcript NM_212482.4 (MANE Select); coding-DNA position 1261, C replaced by T.
Protein change: p.His421Tyr; replaces histidine 421 with tyrosine.
Molecular consequence: missense variant.
Genome position (GRCh38, 1-based): chr2:215,423,482, G>A on the plus strand (C>T on the coding strand, the complement: FN1 is on the minus strand). VCF-style: chr2-215423482-G-A. GRCh37 (hg19) VCF-style: chr2-216288205-G-A.
Other names: c.1261C>T, p.His421Tyr (NM_001306129.2, NM_001306130.2, NM_001306131.2 and 14 more transcripts); short protein forms H421Y.
Identifiers: ClinVar variation 2635605 (VCV002635605.1), dbSNP rs2064801377, ClinGen allele CA350470614.

ClinVar aggregate classification (germline): Uncertain significance (1 of 4 stars; one submission).

Conditions:
FN1-related disorder. Also called: FN1-related condition.

Allele frequency attached by ClinVar (database versions not stated): TOPMed below 0.00001.

Submission:

PreventionGenetics, part of Exact Sciences
Classification: Uncertain significance for FN1-related condition. Last evaluated: 2022-12-20. Review status: criteria provided, single submitter. Criteria: ACMG Guidelines, 2015. Collection method: clinical testing. Allele origin: germline.
Comment: The FN1 c.1261C>T variant is predicted to result in the amino acid substitution p.His421Tyr. To our knowledge, this variant has not been reported in the literature or in a large population database, indicating this variant is rare. At this time, the clinical significance of this variant is uncertain due to the absence of conclusive functional and genetic evidence.